The following is an entry in ClinVar:

NM_001284259.2(KIF20B):c.1446A>G (p.Pro482=)

Gene: KIF20B (kinesin family member 20B; plus strand). Cytogenetic location: 10q23.31.
Variant type: single nucleotide variant.
Coding change: c.1446A>G on transcript NM_001284259.2 (MANE Select); coding-DNA position 1446, A replaced by G.
Protein change: p.Pro482=; no amino-acid change (proline 482 retained).
Molecular consequence: synonymous variant. On other transcripts: non-coding transcript variant (1).
Genome position (GRCh38, 1-based): chr10:89,719,430, A>G. VCF-style: chr10-89719430-A-G. GRCh37 (hg19) VCF-style: chr10-91479187-A-G.
Other names: c.1233A>G, p.Pro411= (NM_001382506.1); c.1446A>G, p.Pro482= (NM_016195.4).
Identifiers: ClinVar variation 3904922 (VCV003904922.10).

ClinVar aggregate classification (germline): Likely benign (1 of 4 stars; one submission).

gnomAD v4.1: 218 of 1,580,272 alleles (0.014%); highest among the groups gnomAD compares: South Asian, 0.16%; 1 homozygote.

Submission:

CeGaT Center for Human Genetics Tuebingen
Classification: Likely benign. Last evaluated: 2025-06-01. Review status: criteria provided, single submitter. Criteria: CeGaT Center For Human Genetics Tuebingen Variant Classification Criteria Version 2. Collection method: clinical testing. Allele origin: germline. Affected: yes. Observed: 1 variant allele.
Comment: KIF20B: BP4, BP7